The following is an entry in ClinVar:

NM_001386795.1(DTNA):c.1918T>C (p.Leu640=)

Gene: DTNA (dystrobrevin alpha; plus strand). Cytogenetic location: 18q12.1.
Variant type: single nucleotide variant.
Coding change: c.1918T>C on transcript NM_001386795.1 (MANE Select); coding-DNA position 1918, T replaced by C.
Protein change: p.Leu640=; no amino-acid change (leucine 640 retained).
Molecular consequence: synonymous variant.
Genome position (GRCh38, 1-based): chr18:34,877,733, T>C. VCF-style: chr18-34877733-T-C. GRCh37 (hg19) VCF-style: chr18-32457697-T-C.
Other names: c.1657T>C, p.Leu553= (NM_001198938.2, NM_001198940.2, NM_001386753.1 and 5 more transcripts); c.1678T>C, p.Leu560= (NM_001198939.2); c.964T>C, p.Leu322= (NM_001198942.1); c.907T>C, p.Leu303= (NM_001198943.1); c.793T>C, p.Leu265= (NM_001198944.1); c.1747T>C, p.Leu583= (NM_001386754.1, NM_001386755.1, NM_001386756.1 and 3 more transcripts); c.1744T>C, p.Leu582= (NM_001386760.1); c.1666T>C, p.Leu556= (NM_001386761.1, NM_032975.4); and 5 more.
Identifiers: ClinVar variation 508997 (VCV000508997.13), dbSNP rs372620035, ClinGen allele CA8935886.

ClinVar aggregate classification (germline): Likely benign. Review status: criteria provided, multiple submitters, no conflicts (2 of 4 stars). 5 submissions from 5 submitters: Likely benign (3). 2 of the submissions do not count toward it. Last evaluated 2026-01-15.

Conditions:
DTNA-related disorder. Also called: DTNA-related condition.
Left ventricular noncompaction 1 (LVNC1). Also called: LEFT VENTRICULAR NONCOMPACTION 1 WITH OR WITHOUT CONGENITAL HEART DEFECTS. Identifiers: Orphanet 54260, MedGen C1858725, MONDO:0011403, OMIM 604169.

Allele frequency attached by ClinVar (database versions not stated): ESP Exome Variant Server 0.00008; ExAC 0.00010; gnomAD exomes 0.00013 and 0.00024; gnomAD 0.00017 and 0.00019; TOPMed 0.00017.
gnomAD v4.1: 370 of 1,613,740 alleles (0.023%); highest among the groups gnomAD compares: Non-Finnish European, 0.03%; no homozygotes.

Submissions (5):

PreventionGenetics, part of Exact Sciences
Classification: Likely benign for DTNA-related condition. Last evaluated: 2026-01-15. Review status: criteria provided, single submitter. Criteria: ACMG Guidelines, 2015. Collection method: clinical testing. Allele origin: germline.
Comment: This variant is classified as likely benign based on ACMG/AMP sequence variant interpretation guidelines (Richards et al. 2015 PMID: 25741868, with internal and published modifications).

Labcorp Genetics (formerly Invitae), Labcorp
Classification: Likely benign for Left ventricular noncompaction 1. Last evaluated: 2025-12-17. Review status: criteria provided, single submitter. Criteria: Invitae Variant Classification Sherloc (09022015). Collection method: clinical testing. Allele origin: germline.

GeneDx
Classification: Likely benign. Last evaluated: 2020-12-30. Review status: criteria provided, single submitter. Criteria: GeneDx Variant Classification Process June 2021. Collection method: clinical testing. Allele origin: germline. Affected: yes.

Diagnostic Laboratory, Department of Genetics, University Medical Center Groningen
Classification: Likely benign. Review status: no assertion criteria provided. Collection method: clinical testing. Allele origin: germline. Affected: yes. Study: VKGL Data-share Consensus. Not counted in ClinVar's aggregate classification.

Genome Diagnostics Laboratory, University Medical Center Utrecht
Classification: Likely benign. Review status: no assertion criteria provided. Collection method: clinical testing. Allele origin: germline. Affected: yes. Study: VKGL Data-share Consensus. Not counted in ClinVar's aggregate classification.